The following is an entry in ClinVar:

ClinVar aggregate classification (germline): Uncertain significance (1 of 4 stars; one submission).

Conditions:
Aortic aneurysm, familial thoracic 7 (AAT7). Also called: AORTIC DISSECTION, FAMILIAL, WITH OR WITHOUT AORTIC ANEURYSM. Identifiers: MedGen C3151077, MONDO:0013418, OMIM 613780.

Submission:

Labcorp Genetics (formerly Invitae), Labcorp
Classification: Uncertain significance for Aortic aneurysm, familial thoracic 7. Last evaluated: 2025-06-02. Review status: criteria provided, single submitter. Criteria: Invitae Variant Classification Sherloc (09022015). Collection method: clinical testing. Allele origin: germline.
Comment: This sequence change replaces alanine, which is neutral and non-polar, with proline, which is neutral and non-polar, at codon 1629 of the MYLK protein (p.Ala1629Pro). This variant is not present in population databases (gnomAD no frequency). This variant has not been reported in the literature in individuals affected with MYLK-related conditions. ClinVar contains an entry for this variant (Variation ID: 2819903). Invitae Evidence Modeling of protein sequence and biophysical properties (such as structural, functional, and spatial information, amino acid conservation, physicochemical variation, residue mobility, and thermodynamic stability) has been performed for this missense variant. However, the output from this modeling did not meet the statistical confidence thresholds required to predict the impact of this variant on MYLK protein function. In summary, the available evidence is currently insufficient to determine the role of this variant in disease. Therefore, it has been classified as a Variant of Uncertain Significance.

NM_053025.4(MYLK):c.4885G>C (p.Ala1629Pro)

Gene: MYLK (myosin light chain kinase; minus strand). Cytogenetic location: 3q21.1.
Variant type: single nucleotide variant.
Coding change: c.4885G>C on transcript NM_053025.4 (MANE Select); coding-DNA position 4885, G replaced by C.
Protein change: p.Ala1629Pro; replaces alanine 1629 with proline.
Molecular consequence: missense variant.
Genome position (GRCh38, 1-based): chr3:123,638,147, C>G on the plus strand (G>C on the coding strand, the complement: MYLK is on the minus strand). VCF-style: chr3-123638147-C-G. GRCh37 (hg19) VCF-style: chr3-123356994-C-G.
Other names: c.4678G>C, p.Ala1560Pro (NM_053028.4, NM_053026.4); c.4357G>C, p.Ala1453Pro (NM_001321309.2); c.4885G>C, p.Ala1629Pro (NM_053027.4); short protein forms A1629P, A1453P, A1560P.
Identifiers: ClinVar variation 2819903 (VCV002819903.3), dbSNP rs2058710612, ClinGen allele CA354225731.
Genomic context (GRCh38, chr3:123,638,147, plus strand): 5'-CCCCGATGCTCCACATGTCTGTGGCGTAGCCGATGGGCTCATAGTTGATCACTTCAGGAG[C>G]CACAAATTCTGGGGTGCCAAAGAGGACCTTCAGAGACCCCGCATTCTCTGAAACCAGGAT-3'
Protein context (NP_444253.3, residues 1619-1639): KVLFGTPEFV[Ala1629Pro]PEVINYEPIG